The following is an entry in ClinVar:

ClinVar aggregate classification (germline): Uncertain significance (1 of 4 stars; one submission).

gnomAD v4.1: 10 of 1,614,152 alleles (0.00062%); highest among the groups gnomAD compares: Non-Finnish European, 0.00085%; no homozygotes.

Submission:

Ambry Genetics
Classification: Uncertain significance. Last evaluated: 2023-08-30. Review status: criteria provided, single submitter. Criteria: Ambry Variant Classification Scheme 2023. Collection method: clinical testing. Allele origin: germline.
Comment: The p.A1319V variant (also known as c.3956C>T), located in coding exon 17 of the NPAT gene, results from a C to T substitution at nucleotide position 3956. The alanine at codon 1319 is replaced by valine, an amino acid with similar properties. This amino acid position is conserved. In addition, this alteration is predicted to be tolerated by in silico analysis. Since supporting evidence is limited at this time, the clinical significance of this alteration remains unclear.

NM_002519.3(NPAT):c.3956C>T (p.Ala1319Val)

Gene: NPAT (nuclear protein, coactivator of histone transcription; minus strand). Cytogenetic location: 11q22.3.
Variant type: single nucleotide variant.
Coding change: c.3956C>T on transcript NM_002519.3 (MANE Select); coding-DNA position 3956, C replaced by T.
Protein change: p.Ala1319Val; replaces alanine 1319 with valine.
Molecular consequence: missense variant.
Genome position (GRCh38, 1-based): chr11:108,161,130, G>A on the plus strand (C>T on the coding strand, the complement: NPAT is on the minus strand). VCF-style: chr11-108161130-G-A. GRCh37 (hg19) VCF-style: chr11-108031857-G-A.
Other names: c.3977C>T, p.Ala1326Val (NM_001321307.1); short protein forms A1319V, A1326V.
Identifiers: ClinVar variation 2624983 (VCV002624983.2), dbSNP rs2496693880, ClinGen allele CA382509680.